The following is an entry in ClinVar:

NM_000222.3(KIT):c.1229A>C (p.Asn410Thr)

Gene: KIT (KIT proto-oncogene, receptor tyrosine kinase; plus strand). Cytogenetic location: 4q12.
Variant type: single nucleotide variant.
Coding change: c.1229A>C on transcript NM_000222.3 (MANE Select); coding-DNA position 1229, A replaced by C.
Protein change: p.Asn410Thr; replaces asparagine 410 with threonine.
Molecular consequence: missense variant.
Genome position (GRCh38, 1-based): chr4:54,709,537, A>C. VCF-style: chr4-54709537-A-C. GRCh37 (hg19) VCF-style: chr4-55575703-A-C.
Other names: c.1229A>C, p.Asn410Thr (NM_001093772.2, NM_001385285.1, NM_001385286.1); c.1232A>C, p.Asn411Thr (NM_001385284.1, NM_001385288.1, NM_001385290.1 and 1 more transcripts); short protein forms N410T, N411T.
Identifiers: ClinVar variation 854632 (VCV000854632.11), dbSNP rs1213469406, ClinGen allele CA356902754.

ClinVar aggregate classification (germline): Conflicting classifications of pathogenicity. Review status: criteria provided, conflicting classifications (1 of 4 stars). 2 submissions from 2 submitters: Uncertain significance (1); Likely benign (1). Last evaluated 2025-05-18.

Conditions:
Gastrointestinal stromal tumor. Also called: Gastrointestinal stromal tumor, somatic; Gastrointestinal stroma tumor. Identifiers: Orphanet 44890, MedGen C0238198, MeSH D046152, MONDO:0011719, OMIM 606764, HP:0100723.
Hereditary cancer-predisposing syndrome. Also called: Neoplastic Syndromes, Hereditary; Tumor predisposition; Hereditary Cancer Syndrome; Hereditary neoplastic syndrome. Identifiers: Orphanet 140162, MedGen C0027672, MeSH D009386, MONDO:0015356.

Allele frequency attached by ClinVar (database versions not stated): gnomAD exomes below 0.00001; TOPMed below 0.00001; gnomAD 0.00001.
gnomAD v4.1: 3 of 1,567,584 alleles (0.00019%); highest among the groups gnomAD compares: Middle Eastern, 0.017%; no homozygotes.

Submissions (2):

Labcorp Genetics (formerly Invitae), Labcorp
Classification: Uncertain significance for Gastrointestinal stromal tumor. Last evaluated: 2025-05-18. Review status: criteria provided, single submitter. Criteria: Invitae Variant Classification Sherloc (09022015). Collection method: clinical testing. Allele origin: germline.
Comment: This sequence change replaces asparagine, which is neutral and polar, with threonine, which is neutral and polar, at codon 410 of the KIT protein (p.Asn410Thr). This variant is not present in population databases (gnomAD no frequency). This variant has not been reported in the literature in individuals affected with KIT-related conditions. ClinVar contains an entry for this variant (Variation ID: 854632). An algorithm developed to predict the effect of missense changes on protein structure and function outputs the following: PolyPhen-2: "Benign". The threonine amino acid residue is found in multiple mammalian species, which suggests that this missense change does not adversely affect protein function. In summary, the available evidence is currently insufficient to determine the role of this variant in disease. Therefore, it has been classified as a Variant of Uncertain Significance.

Ambry Genetics
Classification: Likely benign for Hereditary cancer-predisposing syndrome. Last evaluated: 2025-02-27. Review status: criteria provided, single submitter. Criteria: Ambry Variant Classification Scheme 2023. Collection method: clinical testing. Allele origin: germline.